The following is an entry in ClinVar:

ClinVar aggregate classification (germline): Uncertain significance. Review status: criteria provided, multiple submitters, no conflicts (2 of 4 stars). 2 submissions from 2 submitters: Uncertain significance (2). Last evaluated 2021-03-24.

Conditions:
Mendelian susceptibility to mycobacterial diseases due to complete ISG15 deficiency. Also called: IMMUNODEFICIENCY 38, MYCOBACTERIOSIS, AUTOSOMAL RECESSIVE; ISG15 DEFICIENCY, AUTOSOMAL RECESSIVE; Immunodeficiency 38 with basal ganglia calcification; Immunodeficiency 38. Identifiers: Orphanet 319563, MedGen C4015293, MONDO:0014502, OMIM 616126.

Allele frequency attached by ClinVar (database versions not stated): gnomAD exomes below 0.00001.

Submissions (2):

Labcorp Genetics (formerly Invitae), Labcorp
Classification: Uncertain significance for Mendelian susceptibility to mycobacterial diseases due to complete ISG15 deficiency. Last evaluated: 2021-03-24. Review status: criteria provided, single submitter. Criteria: Invitae Variant Classification Sherloc (09022015). Collection method: clinical testing. Allele origin: germline.
Comment: This variant has not been reported in the literature in individuals with ISG15-related conditions. This sequence change replaces isoleucine with asparagine at codon 32 of the ISG15 protein (p.Ile32Asn). The isoleucine residue is highly conserved and there is a large physicochemical difference between isoleucine and asparagine. This variant is not present in population databases (ExAC no frequency). Algorithms developed to predict the effect of missense changes on protein structure and function (SIFT, PolyPhen-2, Align-GVGD) all suggest that this variant is likely to be disruptive, but these predictions have not been confirmed by published functional studies and their clinical significance is uncertain. In summary, the available evidence is currently insufficient to determine the role of this variant in disease. Therefore, it has been classified as a Variant of Uncertain Significance.

Mayo Clinic Laboratories, Mayo Clinic
Classification: Uncertain significance. Last evaluated: 2020-10-20. Review status: criteria provided, single submitter. Criteria: ACMG Guidelines, 2015. Collection method: clinical testing. Allele origin: germline. Observed: 1 variant allele.

NM_005101.4(ISG15):c.95T>A (p.Ile32Asn)

Gene: ISG15 (ISG15 ubiquitin like modifier; plus strand). Cytogenetic location: 1p36.33.
Variant type: single nucleotide variant.
Coding change: c.95T>A on transcript NM_005101.4 (MANE Select); coding-DNA position 95, T replaced by A.
Protein change: p.Ile32Asn; replaces isoleucine 32 with asparagine.
Molecular consequence: missense variant.
Genome position (GRCh38, 1-based): chr1:1,014,075, T>A. VCF-style: chr1-1014075-T-A. GRCh37 (hg19) VCF-style: chr1-949455-T-A.
Other names: short protein forms I32N.
Identifiers: ClinVar variation 1162796 (VCV001162796.12), dbSNP rs2100541913, ClinGen allele CA337803699.